The following is an entry in ClinVar:

NM_001035.3(RYR2):c.2589A>T (p.Thr863=)

Gene: RYR2 (ryanodine receptor 2; plus strand). Cytogenetic location: 1q43.
Variant type: single nucleotide variant.
Coding change: c.2589A>T on transcript NM_001035.3 (MANE Select); coding-DNA position 2589, A replaced by T.
Protein change: p.Thr863=; no amino-acid change (threonine 863 retained).
Molecular consequence: synonymous variant.
Genome position (GRCh38, 1-based): chr1:237,503,481, A>T. VCF-style: chr1-237503481-A-T. GRCh37 (hg19) VCF-style: chr1-237666781-A-T.
Other names: p.T863T:ACA>ACT; c.2589A>T, p.Thr863= (LRG_402t1).
Identifiers: ClinVar variation 138940 (VCV000138940.17), dbSNP rs587781141, ClinGen allele CA008894.

ClinVar aggregate classification (germline): Benign/Likely benign. Review status: criteria provided, multiple submitters, no conflicts (2 of 4 stars). 5 submissions from 5 submitters: Benign (1); Likely benign (4). Last evaluated 2025-09-07.

Conditions:
Cardiovascular phenotype. Identifiers: MedGen CN230736.
Catecholaminergic polymorphic ventricular tachycardia (CVPT). Also called: Catecholamine-induced polymorphic ventricular tachycardia. Identifiers: Orphanet 3286, MedGen C5574922, MONDO:0017990.
Catecholaminergic polymorphic ventricular tachycardia 1. Also called: VENTRICULAR TACHYCARDIA, STRESS-INDUCED POLYMORPHIC 1; VENTRICULAR TACHYCARDIA, CATECHOLAMINERGIC POLYMORPHIC, 1, WITH OR WITHOUT ATRIAL DYSFUNCTION AND/OR DILATED CARDIOMYOPATHY; RYR2-Related Catecholaminergic Polymorphic Ventricular Tachycardia. Identifiers: Orphanet 3286, MedGen C1631597, MONDO:0011484, OMIM 604772.

gnomAD v4.1: 11 of 1,613,786 alleles (0.00068%); highest among the groups gnomAD compares: Middle Eastern, 0.017%; no homozygotes.

Submissions (5):

Labcorp Genetics (formerly Invitae), Labcorp
Classification: Likely benign for Catecholaminergic polymorphic ventricular tachycardia 1. Last evaluated: 2025-09-07. Review status: criteria provided, single submitter. Criteria: Invitae Variant Classification Sherloc (09022015). Collection method: clinical testing. Allele origin: germline.

CeGaT Center for Human Genetics Tuebingen
Classification: Likely benign. Last evaluated: 2025-02-01. Review status: criteria provided, single submitter. Criteria: CeGaT Center For Human Genetics Tuebingen Variant Classification Criteria Version 2. Collection method: clinical testing. Allele origin: germline. Affected: yes. Observed: 1 variant allele.
Comment: RYR2: BP4, BP7

Ambry Genetics
Classification: Likely benign for Cardiovascular phenotype. Last evaluated: 2024-10-15. Review status: criteria provided, single submitter. Criteria: Ambry Variant Classification Scheme 2023. Collection method: clinical testing. Allele origin: germline.

All of Us Research Program, National Institutes of Health
Classification: Likely benign for Catecholaminergic polymorphic ventricular tachycardia. Last evaluated: 2023-05-15. Review status: criteria provided, single submitter. Criteria: ACMG Guidelines, 2015. Collection method: clinical testing. Allele origin: germline. Inheritance: Autosomal dominant inheritance. Observed: 1 variant allele, 1 heterozygote.
Comment: This study involves interpretation of variants in research participants for the purpose of population health screening. Participant phenotype was not available at the time of variant classification. Additional details can be found in publication PMID: 35346344, PMCID: PMC8962531

GeneDx
Classification: Benign. Last evaluated: 2011-06-28. Review status: criteria provided, single submitter. Criteria: GeneDx Variant Classification (06012015). Collection method: clinical testing. Allele origin: germline. Affected: yes.
Comment: This variant is considered likely benign or benign based on one or more of the following criteria: it is a conservative change, it occurs at a poorly conserved position in the protein, it is predicted to be benign by multiple in silico algorithms, and/or has population frequency not consistent with disease.